The following is an entry in ClinVar:

ClinVar aggregate classification (germline): Uncertain significance (1 of 4 stars; one submission).

Submission:

Ambry Genetics
Classification: Uncertain significance. Last evaluated: 2025-12-01. Review status: criteria provided, single submitter. Criteria: Ambry Variant Classification Scheme 2023. Collection method: clinical testing. Allele origin: germline.
Comment: The p.F336Y variant (also known as c.1007T>A), located in coding exon 1 of the CDK12 gene, results from a T to A substitution at nucleotide position 1007. The phenylalanine at codon 336 is replaced by tyrosine, an amino acid with highly similar properties. This amino acid position is conserved. In addition, this alteration is predicted to be tolerated by in silico analysis. Based on the available evidence, the clinical significance of this variant remains unclear.

NM_016507.4(CDK12):c.1007T>A (p.Phe336Tyr)

Genes: CDK12 (cyclin dependent kinase 12; plus strand), LOC126862553 (CDK7 strongly-dependent group 2 enhancer GRCh37_chr17:37618166-37619365; plus strand). Cytogenetic location: 17q12.
Variant type: single nucleotide variant.
Coding change: c.1007T>A on transcript NM_016507.4 (MANE Select); coding-DNA position 1007, T replaced by A.
Protein change: p.Phe336Tyr; replaces phenylalanine 336 with tyrosine.
Molecular consequence: missense variant.
Genome position (GRCh38, 1-based): chr17:39,463,078, T>A. VCF-style: chr17-39463078-T-A. GRCh37 (hg19) VCF-style: chr17-37619331-T-A.
Other names: c.1007T>A, p.Phe336Tyr (NM_015083.4); short protein forms F336Y.
Identifiers: ClinVar variation 4651477 (VCV004651477.1).
Genomic context (GRCh38, chr17:39,463,078, plus strand): 5'-GTGGCTCTTACAGCGGGCGATCGCCCAGTCCCTATGGTCGAAGGCGGTCCAGCAGCCCTT[T>A]CCTGAGCAAGCGGTCTCTGAGTCGGAGTCCACTCCCCAGGTGAGCTATTTGTCTAACAGT-3'
Protein context (NP_057591.2, residues 326-346): PYGRRRSSSP[Phe336Tyr]LSKRSLSRSP